The following is an entry in ClinVar:

ClinVar aggregate classification (germline): Pathogenic (1 of 4 stars; one submission).

Conditions:
Inborn genetic diseases. Identifiers: MedGen C0950123, MeSH D030342.

Submission:

Ambry Genetics
Classification: Pathogenic for Inborn genetic diseases. Last evaluated: 2021-09-05. Review status: criteria provided, single submitter. Criteria: Ambry Variant Classification Scheme 2023. Collection method: clinical testing. Allele origin: germline.
Comment: The c.1346_1352delCCAGAGA (p.T449Kfs*5) alteration, located in exon 13 (coding exon 13) of the NSUN2 gene, consists of a deletion of 7 nucleotides from position 1346 to 1352, causing a translational frameshift with a predicted alternate stop codon after 5 amino acids. This alteration is expected to result in loss of function by premature protein truncation or nonsense-mediated mRNA decay. This variant was not reported in population-based cohorts in the Genome Aggregation Database (gnomAD). Based on the available evidence, this alteration is classified as pathogenic.

NM_017755.6(NSUN2):c.1346_1352del (p.Thr449fs)

Gene: NSUN2 (NOP2/Sun RNA methyltransferase 2; minus strand). Cytogenetic location: 5p15.31.
Variant type: Deletion.
Coding change: c.1346_1352del on transcript NM_017755.6 (MANE Select); coding-DNA positions 1346 to 1352, 7 bases deleted (CCAGAGA; older notation c.1346_1352delCCAGAGA).
Protein change: p.Thr449fs; shifts the reading frame from threonine 449.
Molecular consequence: frameshift variant. On other transcripts: non-coding transcript variant (1).
Genome position (GRCh38, 1-based): chr5:6,607,356-6,607,362, TCTCTGG deleted on the plus strand (CCAGAGA on the coding strand, the reverse complement: NSUN2 is on the minus strand); deleting any 7 consecutive bases within chr5:6,607,356-6,607,368 gives the same sequence; the c. name uses the placement nearest the transcript's 3' end. VCF-style (leftmost placement, unchanged base first): chr5-6607355-TTCTCTGG-T. GRCh37 (hg19) VCF-style: chr5-6607468-TTCTCTGG-T.
Other names: c.1241_1247del, p.Thr414fs (NM_001193455.2); short protein forms T414fs, T449fs.
Identifiers: ClinVar variation 2240674 (VCV002240674.2), dbSNP rs2477415556, ClinGen allele CA2580073202.